The following is an entry in ClinVar:

NM_020631.6(PLEKHG5):c.518G>A (p.Arg173Gln)

Gene: PLEKHG5 (pleckstrin homology and RhoGEF domain containing G5; minus strand). Cytogenetic location: 1p36.31.
Variant type: single nucleotide variant.
Coding change: c.518G>A on transcript NM_020631.6 (MANE Select); coding-DNA position 518, G replaced by A.
Protein change: p.Arg173Gln; replaces arginine 173 with glutamine.
Molecular consequence: missense variant.
Genome position (GRCh38, 1-based): chr1:6,474,086, C>T on the plus strand (G>A on the coding strand, the complement: PLEKHG5 is on the minus strand). VCF-style: chr1-6474086-C-T. GRCh37 (hg19) VCF-style: chr1-6534146-C-T.
Other names: p.Arg173Gln; c.518G>A (NM_020631.5); c.629G>A, p.Arg210Gln (NM_001042663.3, NM_001265592.2); c.518G>A, p.Arg173Gln (NM_001042664.2, NM_001042665.2, NM_001265594.3 and 1 more transcripts); c.725G>A, p.Arg242Gln (NM_001265593.2); short protein forms R173Q, R242Q, R210Q.
Identifiers: ClinVar variation 198580 (VCV000198580.20), dbSNP rs142378760, ClinGen allele CA247314.

ClinVar aggregate classification (germline): Uncertain significance. Review status: criteria provided, multiple submitters, no conflicts (2 of 4 stars). 8 submissions from 8 submitters: Uncertain significance (8). Last evaluated 2025-08-06.

Conditions:
Inborn genetic diseases. Identifiers: MedGen C0950123, MeSH D030342.
Neuronopathy, distal hereditary motor, autosomal recessive 4. Also called: Autosomal recessive lower motor neuron disease with childhood onset; NEUROPATHY, DISTAL HEREDITARY MOTOR, AUTOSOMAL RECESSIVE 4. Identifiers: Orphanet 206580, MedGen C1970211, MONDO:0012608, OMIM 611067.
Charcot-Marie-Tooth disease recessive intermediate C. Also called: CHARCOT-MARIE-TOOTH NEUROPATHY, RECESSIVE INTERMEDIATE C. Identifiers: Orphanet 369867, MedGen C3809309, MONDO:0014154, OMIM 615376.

Allele frequency attached by ClinVar (database versions not stated): gnomAD 0.00008 and 0.00009; gnomAD exomes 0.00002; ExAC 0.00003; TOPMed 0.00005; ESP Exome Variant Server 0.00008.
gnomAD v4.1: 47 of 1,612,964 alleles (0.0029%); highest among the groups gnomAD compares: Middle Eastern, 0.13%; no homozygotes.

Submissions (8):

Mayo Clinic Laboratories, Mayo Clinic
Classification: Uncertain significance. Last evaluated: 2025-08-06. Review status: criteria provided, single submitter. Criteria: ACMG Guidelines, 2015. Collection method: clinical testing. Allele origin: germline. Observed: 2 variant alleles.

Ambry Genetics
Classification: Uncertain significance for Inborn genetic diseases. Last evaluated: 2025-03-31. Review status: criteria provided, single submitter. Criteria: Ambry Variant Classification Scheme 2023. Collection method: clinical testing. Allele origin: germline.

Revvity Omics, Revvity
Classification: Uncertain significance. Last evaluated: 2023-08-10. Review status: criteria provided, single submitter. Criteria: ACMG Guidelines, 2015. Collection method: clinical testing. Allele origin: germline.

Labcorp Genetics (formerly Invitae), Labcorp
Classification: Uncertain significance for Neuronopathy, distal hereditary motor, autosomal recessive 4; Charcot-Marie-Tooth disease recessive intermediate C. Last evaluated: 2022-08-15. Review status: criteria provided, single submitter. Criteria: Invitae Variant Classification Sherloc (09022015). Collection method: clinical testing. Allele origin: germline.
Comment: This sequence change replaces arginine, which is basic and polar, with glutamine, which is neutral and polar, at codon 173 of the PLEKHG5 protein (p.Arg173Gln). This variant is present in population databases (rs142378760, gnomAD 0.02%). This variant has not been reported in the literature in individuals affected with PLEKHG5-related conditions. ClinVar contains an entry for this variant (Variation ID: 198580). Algorithms developed to predict the effect of missense changes on protein structure and function (SIFT, PolyPhen-2, Align-GVGD) all suggest that this variant is likely to be tolerated. Algorithms developed to predict the effect of sequence changes on RNA splicing suggest that this variant may create or strengthen a splice site. In summary, the available evidence is currently insufficient to determine the role of this variant in disease. Therefore, it has been classified as a Variant of Uncertain Significance.

Illumina Laboratory Services, Illumina
Classification: Uncertain significance for Neuronopathy, distal hereditary motor, autosomal recessive 4. Last evaluated: 2018-01-12. Review status: criteria provided, single submitter. Criteria: ICSL Variant Classification Criteria 13 December 2019. Collection method: clinical testing. Allele origin: germline.

GeneDx
Classification: Uncertain significance. Last evaluated: 2016-02-25. Review status: criteria provided, single submitter. Criteria: GeneDx Variant Classification (06012015). Collection method: clinical testing. Allele origin: germline. Affected: yes.
Comment: The R173Q variant has not been published as a pathogenic variant, nor has it been reported as a benign variant to our knowledge. It was not observed with any significant frequency in approximately 6,500 individuals of European and African American ancestry in the NHLBI Exome Sequencing Project. The R173Q variant is a semi-conservative amino acid substitution, which may impact secondary protein structure as these residues differ in some properties. This substitution occurs at a position where amino acids with similar properties to Arginine are tolerated across species. In silico analysis is inconsistent in its predictions as to whether or not the variant is damaging to the protein structure/function. Based on the currently available information, it is unclear whether this variant is a pathogenic variant or a rare benign variant.

Eurofins Ntd Llc (ga)
Classification: Uncertain significance. Last evaluated: 2015-02-13. Review status: criteria provided, single submitter. Criteria: EGL Classification Definitions 2015. Collection method: clinical testing. Allele origin: germline. Observed: 1 variant allele, 1 heterozygote.

Breakthrough Genomics
Classification: Uncertain significance. Review status: criteria provided, single submitter. Criteria: ACMG Guidelines, 2015. Collection method: not provided. Allele origin: germline. Inheritance: Autosomal recessive inheritance. Affected: yes.